The following is an entry in ClinVar:

NM_001389.5(DSCAM):c.4133-7_4133-3del

Gene: DSCAM (DS cell adhesion molecule; minus strand). Cytogenetic location: 21q22.2.
Variant type: Deletion.
Coding change: c.4133-7_4133-3del on transcript NM_001389.5 (MANE Select); 7 bases into the intron before coding-DNA position 4133 through 3 bases into the intron before coding-DNA position 4133, 5 bases deleted (TCTCC; older notation c.4133-7_4133-3delTCTCC).
Molecular consequence: intron variant.
Genome position (GRCh38, 1-based): chr21:40,084,009-40,084,013, GGAGA deleted on the plus strand (TCTCC on the coding strand, the reverse complement: DSCAM is on the minus strand); deleting any 5 consecutive bases within chr21:40,084,009-40,084,016 gives the same sequence; the c. name uses the placement nearest the transcript's 3' end. VCF-style (leftmost placement, unchanged base first): chr21-40084008-TGGAGA-T. GRCh37 (hg19) VCF-style: chr21-41455935-TGGAGA-T.
Other names: c.4133-7_4133-3del (NM_001271534.3).
Identifiers: ClinVar variation 4994209 (VCV004994209.1).

ClinVar aggregate classification (germline): Likely benign (1 of 4 stars; one submission).

Conditions:
DSCAM-related disorder. Also called: DSCAM-related condition.

Submission:

PreventionGenetics, part of Exact Sciences
Classification: Likely benign for DSCAM-related condition. Last evaluated: 2025-12-29. Review status: criteria provided, single submitter. Criteria: ACMG Guidelines, 2015. Collection method: clinical testing. Allele origin: germline.
Comment: This variant is classified as likely benign based on ACMG/AMP sequence variant interpretation guidelines (Richards et al. 2015 PMID: 25741868, with internal and published modifications).